The following is an entry in ClinVar:

ClinVar aggregate classification (germline): Benign/Likely benign. Review status: criteria provided, multiple submitters, no conflicts (2 of 4 stars). 2 submissions from 2 submitters: Benign (1); Likely benign (1). Last evaluated 2024-12-17.

Conditions:
Lynch syndrome 5 (LYNCH5). Also called: Colorectal cancer, hereditary nonpolyposis, type 5; Hereditary non-polyposis colorectal cancer, type 5. Identifiers: Orphanet 144, MedGen C1833477, MONDO:0013710, OMIM 614350. Disease mechanism: loss of function.

Submissions (2):

Myriad Genetics, Inc.
Classification: Benign for Lynch syndrome 5. Last evaluated: 2024-12-17. Review status: criteria provided, single submitter. Criteria: Myriad Autosomal Dominant, Autosomal Recessive and X-Linked Classification Criteria (2023). Collection method: clinical testing. Allele origin: unknown.
Comment: This variant is considered benign. This variant is a silent/synonymous amino acid change and it is not expected to impact splicing.

GeneDx
Classification: Likely benign. Last evaluated: 2016-12-09. Review status: criteria provided, single submitter. Criteria: GeneDx Variant Classification (06012015). Collection method: clinical testing. Allele origin: germline. Affected: yes.
Comment: This variant is considered likely benign or benign based on one or more of the following criteria: it is a conservative change, it occurs at a poorly conserved position in the protein, it is predicted to be benign by multiple in silico algorithms, and/or has population frequency not consistent with disease.

NM_000179.3(MSH6):c.186C>G (p.Arg62=)

Gene: MSH6 (mutS homolog 6; plus strand). Cytogenetic location: 2p16.3.
Variant type: single nucleotide variant.
Coding change: c.186C>G on transcript NM_000179.3 (MANE Select); coding-DNA position 186, C replaced by G.
Protein change: p.Arg62=; no amino-acid change (arginine 62 retained).
Molecular consequence: synonymous variant. On other transcripts: 5 prime UTR variant (1).
Genome position (GRCh38, 1-based): chr2:47,783,419, C>G. VCF-style: chr2-47783419-C-G. GRCh37 (hg19) VCF-style: chr2-48010558-C-G.
Other names: c.186C>G, p.Arg62= (NM_001281492.2); c.-551C>G (NM_001281493.2).
Identifiers: ClinVar variation 379173 (VCV000379173.2), dbSNP rs1042820, ClinGen allele CA16604569.